The following is an entry in ClinVar:

ClinVar aggregate classification (germline): Uncertain significance (1 of 4 stars; one submission).

Conditions:
KBG syndrome (KBGS). Also called: ANKRD11-Related KBG Syndrome. Identifiers: Orphanet 2332, MedGen C0220687, MONDO:0007846, OMIM 148050.

gnomAD v4.1: 2 of 1,613,080 alleles (0.00012%); highest among the groups gnomAD compares: Non-Finnish European, 0.00017%; no homozygotes.

Submission:

Labcorp Genetics (formerly Invitae), Labcorp
Classification: Uncertain significance for KBG syndrome. Last evaluated: 2024-09-17. Review status: criteria provided, single submitter. Criteria: Invitae Variant Classification Sherloc (09022015). Collection method: clinical testing. Allele origin: germline.
Comment: This sequence change replaces leucine, which is neutral and non-polar, with isoleucine, which is neutral and non-polar, at codon 2160 of the ANKRD11 protein (p.Leu2160Ile). This variant is not present in population databases (gnomAD no frequency). This variant has not been reported in the literature in individuals affected with ANKRD11-related conditions. Invitae Evidence Modeling of protein sequence and biophysical properties (such as structural, functional, and spatial information, amino acid conservation, physicochemical variation, residue mobility, and thermodynamic stability) indicates that this missense variant is not expected to disrupt ANKRD11 protein function with a negative predictive value of 95%. In summary, the available evidence is currently insufficient to determine the role of this variant in disease. Therefore, it has been classified as a Variant of Uncertain Significance.

NM_013275.6(ANKRD11):c.6478C>A (p.Leu2160Ile)

Gene: ANKRD11 (ankyrin repeat domain 11; minus strand). Cytogenetic location: 16q24.3.
Variant type: single nucleotide variant.
Coding change: c.6478C>A on transcript NM_013275.6 (MANE Select); coding-DNA position 6478, C replaced by A.
Protein change: p.Leu2160Ile; replaces leucine 2160 with isoleucine.
Molecular consequence: missense variant.
Genome position (GRCh38, 1-based): chr16:89,280,064, G>T on the plus strand (C>A on the coding strand, the complement: ANKRD11 is on the minus strand). VCF-style: chr16-89280064-G-T. GRCh37 (hg19) VCF-style: chr16-89346472-G-T.
Other names: c.6478C>A, p.Leu2160Ile (NM_001256182.2, NM_001256183.2); short protein forms L2160I.
Identifiers: ClinVar variation 3695649 (VCV003695649.2).
Genomic context (GRCh38, chr16:89,280,064, plus strand): 5'-AAACATCCCCACCGTTTATGACCCCGGGGGCCCCTGGAGGCATCTCTTCTGGAGGAGCAA[G>T]ACTTTCTTCCACGGGTTCCGCTTCACCATCTGCGGCATCTTTAGTCTGCAGGGGAAGCTC-3'
Protein context (NP_037407.4, residues 2150-2170): DGEAEPVEES[Leu2160Ile]APPEEMPPGA